The following is an entry in ClinVar:

NM_001379451.1(BCORL1):c.1898T>G (p.Leu633Arg)

Gene: BCORL1 (BCL6 corepressor like 1; plus strand). Cytogenetic location: Xq26.1.
Variant type: single nucleotide variant.
Coding change: c.1898T>G on transcript NM_001379451.1 (MANE Select); coding-DNA position 1898, T replaced by G.
Protein change: p.Leu633Arg; replaces leucine 633 with arginine.
Molecular consequence: missense variant.
Genome position (GRCh38, 1-based): chrX:130,014,670, T>G. VCF-style: chrX-130014670-T-G. GRCh37 (hg19) VCF-style: chrX-129148646-T-G.
Other names: c.1898T>G, p.Leu633Arg (NM_001184772.3, NM_001379450.1, NM_021946.5); short protein forms L633R.
Identifiers: ClinVar variation 4072569 (VCV004072569.1).

ClinVar aggregate classification (germline): Uncertain significance (1 of 4 stars; one submission).

Submission:

GeneDx
Classification: Uncertain significance. Last evaluated: 2025-02-02. Review status: criteria provided, single submitter. Criteria: GeneDx Variant Classification Process June 2021. Collection method: clinical testing. Allele origin: germline. Affected: yes.
Comment: Not observed at significant frequency in large population cohorts (gnomAD); In silico analysis indicates that this missense variant does not alter protein structure/function; Has not been previously published as pathogenic or benign to our knowledge